The following is an entry in ClinVar:

NM_001386135.1(AFF3):c.1689G>A (p.Pro563=)

Gene: AFF3 (ALF transcription elongation factor 3; minus strand). Cytogenetic location: 2q11.2.
Variant type: single nucleotide variant.
Coding change: c.1689G>A on transcript NM_001386135.1 (MANE Select); coding-DNA position 1689, G replaced by A.
Protein change: p.Pro563=; no amino-acid change (proline 563 retained).
Molecular consequence: synonymous variant.
Genome position (GRCh38, 1-based): chr2:99,593,972, C>T on the plus strand (G>A on the coding strand, the complement: AFF3 is on the minus strand). VCF-style: chr2-99593972-C-T. GRCh37 (hg19) VCF-style: chr2-100210434-C-T.
Other names: c.1764G>A, p.Pro588= (NM_001025108.2); c.1689G>A, p.Pro563= (NM_002285.3).
Identifiers: ClinVar variation 3052623 (VCV003052623.2), dbSNP rs150835223, ClinGen allele CA1801072.
Genomic context (GRCh38, chr2:99,593,972, plus strand): 5'-CGCGGACCTCCGGGCAGGCGCGGGCGCGTTCTCCGCGGGCGCACAGGGCACTGCGGGTGG[C>T]GGGGCGGCTGCGCTCACCGCCACGGCCACGGCCGCGGGCGGGGACTTCTGCTTCACGCCT-3'
Protein context (NP_001373064.1, residues 553-573): AVAVAVSAAA[Pro563=]PPAVPCAPAE

ClinVar aggregate classification (germline): Benign (0 of 4 stars; one submission).

Conditions:
AFF3-related disorder. Also called: AFF3-related condition.

Allele frequency attached by ClinVar (database versions not stated): gnomAD exomes 0.00057; ExAC 0.00205; gnomAD 0.00656; ESP Exome Variant Server 0.00710; TOPMed 0.00743; 1000 Genomes Project 0.00759; 1000 Genomes Project 30x 0.00874.
gnomAD v4.1: 1,808 of 1,487,850 alleles (0.12%); highest among the groups gnomAD compares: African/African-American, 2.3%; 23 homozygotes.

Submission:

PreventionGenetics, part of Exact Sciences
Classification: Benign for AFF3-related condition. Last evaluated: 2023-11-30. Review status: no assertion criteria provided. Collection method: clinical testing. Allele origin: germline.
Comment: This variant is classified as benign based on ACMG/AMP sequence variant interpretation guidelines (Richards et al. 2015 PMID: 25741868, with internal and published modifications).